The following is an entry in ClinVar:

ClinVar aggregate classification (germline): Likely benign. Review status: criteria provided, multiple submitters, no conflicts (2 of 4 stars). 3 submissions from 3 submitters: Likely benign (3). Last evaluated 2026-06-26.

Conditions:
MSH3-related disorder. Also called: MSH3-related condition.
Hereditary cancer-predisposing syndrome. Also called: Tumor predisposition; Hereditary Cancer Syndrome; Neoplastic Syndromes, Hereditary; Hereditary neoplastic syndrome. Identifiers: Orphanet 140162, MedGen C0027672, MeSH D009386, MONDO:0015356.

Allele frequency attached by ClinVar (database versions not stated): ExAC 0.00001; gnomAD 0.00001; gnomAD exomes 0.00001.
gnomAD v4.1: 16 of 1,613,872 alleles (0.00099%); highest among the groups gnomAD compares: Middle Eastern, 0.017%; no homozygotes.

Submissions (3):

PreventionGenetics, part of Exact Sciences
Classification: Likely benign for MSH3-related condition. Last evaluated: 2026-06-26. Review status: criteria provided, single submitter. Criteria: ACMG Guidelines, 2015. Collection method: clinical testing. Allele origin: germline.
Comment: This variant is classified as likely benign based on ACMG/AMP sequence variant interpretation guidelines (Richards et al. 2015 PMID: 25741868, with internal and published modifications).

Labcorp Genetics (formerly Invitae), Labcorp
Classification: Likely benign. Last evaluated: 2025-02-09. Review status: criteria provided, single submitter. Criteria: Invitae Variant Classification Sherloc (09022015). Collection method: clinical testing. Allele origin: germline.

Ambry Genetics
Classification: Likely benign for Hereditary cancer-predisposing syndrome. Last evaluated: 2024-12-01. Review status: criteria provided, single submitter. Criteria: Ambry Variant Classification Scheme 2023. Collection method: clinical testing. Allele origin: germline.

NM_002439.5(MSH3):c.3165C>T (p.Phe1055=)

Gene: MSH3 (mutS homolog 3; plus strand). Cytogenetic location: 5q14.1.
Variant type: single nucleotide variant.
Coding change: c.3165C>T on transcript NM_002439.5 (MANE Select); coding-DNA position 3165, C replaced by T.
Protein change: p.Phe1055=; no amino-acid change (phenylalanine 1055 retained).
Molecular consequence: synonymous variant.
Genome position (GRCh38, 1-based): chr5:80,873,150, C>T. VCF-style: chr5-80873150-C-T. GRCh37 (hg19) VCF-style: chr5-80168969-C-T.
Other names: c.3165C>T (NM_002439.3, NM_002439.4).
Identifiers: ClinVar variation 1104281 (VCV001104281.11), dbSNP rs564770327, ClinGen allele CA3328472.